The following is an entry in ClinVar:

NM_032043.3(BRIP1):c.919-8G>T

Gene: BRIP1 (BRCA1 interacting DNA helicase 1; minus strand). Cytogenetic location: 17q23.2.
Variant type: single nucleotide variant.
Coding change: c.919-8G>T on transcript NM_032043.3 (MANE Select); 8 bases into the intron before coding-DNA position 919, G replaced by T.
Molecular consequence: intron variant.
Genome position (GRCh38, 1-based): chr17:61,801,482, C>A on the plus strand (G>T on the coding strand, the complement: BRIP1 is on the minus strand). VCF-style: chr17-61801482-C-A. GRCh37 (hg19) VCF-style: chr17-59878843-C-A.
Identifiers: ClinVar variation 461186 (VCV000461186.16), dbSNP rs777079928, ClinGen allele CA8690824.

ClinVar aggregate classification (germline): Likely benign. Review status: criteria provided, multiple submitters, no conflicts (2 of 4 stars). 3 submissions from 3 submitters: Likely benign (3). Last evaluated 2025-04-02.

Conditions:
Hereditary cancer-predisposing syndrome. Also called: Hereditary neoplastic syndrome; Neoplastic Syndromes, Hereditary; Tumor predisposition; Hereditary Cancer Syndrome. Identifiers: Orphanet 140162, MedGen C0027672, MeSH D009386, MONDO:0015356.
Fanconi anemia complementation group J. Also called: BRIP1-Related Fanconi Anemia. Identifiers: Orphanet 84, MedGen C1836860, MONDO:0012187, OMIM 609054.
Familial cancer of breast. Also called: BREAST CANCER, FAMILIAL; hereditary breast carcinoma; Hereditary breast cancer. Identifiers: Orphanet 227535, MedGen C0346153, MONDO:0016419, OMIM 114480. Disease mechanism: loss of function.

Allele frequency attached by ClinVar (database versions not stated): gnomAD 0.00001; gnomAD exomes 0.00001 and 0.00002; TOPMed 0.00002; ExAC 0.00003.
gnomAD v4.1: 8 of 1,572,944 alleles (0.00051%); highest among the groups gnomAD compares: Non-Finnish European, 0.0007%; no homozygotes.

Submissions (3):

Labcorp Genetics (formerly Invitae), Labcorp
Classification: Likely benign for Familial cancer of breast; Fanconi anemia complementation group J. Last evaluated: 2025-04-02. Review status: criteria provided, single submitter. Criteria: Invitae Variant Classification Sherloc (09022015). Collection method: clinical testing. Allele origin: germline.

Myriad Genetics, Inc.
Classification: Likely benign for Familial cancer of breast. Last evaluated: 2024-08-22. Review status: criteria provided, single submitter. Criteria: Myriad Autosomal Dominant, Autosomal Recessive and X-Linked Classification Criteria (2023). Collection method: clinical testing. Allele origin: unknown.
Comment: This variant is considered likely benign. This variant is intronic and is not expected to impact mRNA splicing.

Color Diagnostics, LLC DBA Color Health
Classification: Likely benign for Hereditary cancer-predisposing syndrome. Last evaluated: 2019-10-31. Review status: criteria provided, single submitter. Criteria: ACMG Guidelines, 2015. Collection method: clinical testing. Allele origin: germline.